The following is an entry in ClinVar:

ClinVar aggregate classification (germline): Uncertain significance (1 of 4 stars; one submission).

Conditions:
Very long chain acyl-CoA dehydrogenase deficiency (ACADVLD). Also called: Very Long-Chain Acyl-Coenzyme A Dehydrogenase Deficiency; VLCAD Deficiency. Identifiers: Orphanet 26793, MedGen C3887523, MONDO:0008723, OMIM 201475.

Submission:

Labcorp Genetics (formerly Invitae), Labcorp
Classification: Uncertain significance for Very long chain acyl-CoA dehydrogenase deficiency. Last evaluated: 2018-09-02. Review status: criteria provided, single submitter. Criteria: Invitae Variant Classification Sherloc (09022015). Collection method: clinical testing. Allele origin: germline.
Comment: In summary, the available evidence is currently insufficient to determine the role of this variant in disease. Therefore, it has been classified as a Variant of Uncertain Significance. This sequence change replaces lysine with arginine at codon 299 of the ACADVL protein (p.Lys299Arg). The lysine residue is highly conserved and there is a small physicochemical difference between lysine and arginine. This variant is not present in population databases (ExAC no frequency). This variant has not been reported in the literature in individuals with ACADVL-related disease. Experimental studies have shown that this missense change abolishes enzyme activity (PMID: 25811481).

Literature cited by the submitters: PubMed 25811481.

NM_000018.4(ACADVL):c.896A>G (p.Lys299Arg)

Gene: ACADVL (acyl-CoA dehydrogenase very long chain; plus strand). Cytogenetic location: 17p13.1.
Variant type: single nucleotide variant.
Coding change: c.896A>G on transcript NM_000018.4 (MANE Select); coding-DNA position 896, A replaced by G.
Protein change: p.Lys299Arg; replaces lysine 299 with arginine.
Molecular consequence: missense variant.
Genome position (GRCh38, 1-based): chr17:7,222,684, A>G. VCF-style: chr17-7222684-A-G. GRCh37 (hg19) VCF-style: chr17-7126003-A-G.
Other names: c.830A>G, p.Lys277Arg (NM_001033859.3); c.965A>G, p.Lys322Arg (NM_001270447.2); c.668A>G, p.Lys223Arg (NM_001270448.2); short protein forms K299R, K277R, K322R, K223R.
Identifiers: ClinVar variation 658504 (VCV000658504.8), dbSNP rs771247610, ClinGen allele CA397723924.
Genomic context (GRCh38, chr17:7,222,684, plus strand): 5'-CCTGTTGAACACACCTCTGCTTTCCCACACTGCCCTGACACAGTGGGCCCCCTGAGAAGA[A>G]GATGGGCATCAAGGCTTCAAACACAGCAGAGGTGTTCTTTGATGGAGTACGGGTGCCATC-3'
Protein context (NP_000009.1, residues 289-309): GGITHGPPEK[Lys299Arg]MGIKASNTAE